The following is an entry in ClinVar:

NM_000395.3(CSF2RB):c.853G>A (p.Gly285Arg)

Gene: CSF2RB (colony stimulating factor 2 receptor subunit beta; plus strand). Cytogenetic location: 22q12.3.
Variant type: single nucleotide variant.
Coding change: c.853G>A on transcript NM_000395.3 (MANE Select); coding-DNA position 853, G replaced by A.
Protein change: p.Gly285Arg; replaces glycine 285 with arginine.
Molecular consequence: missense variant.
Genome position (GRCh38, 1-based): chr22:36,930,509, G>A. VCF-style: chr22-36930509-G-A. GRCh37 (hg19) VCF-style: chr22-37326551-G-A.
Other names: c.853G>A, p.Gly285Ser (NM_001410827.1); short protein forms G285S, G285R.
Identifiers: ClinVar variation 2073584 (VCV002073584.4), dbSNP rs749965216, ClinGen allele CA10213598.

ClinVar aggregate classification (germline): Uncertain significance (1 of 4 stars; one submission).

Allele frequency attached by ClinVar (database versions not stated): ExAC 0.00001; gnomAD exomes 0.00001; TOPMed 0.00003.
gnomAD v4.1: 10 of 1,613,282 alleles (0.00062%); highest among the groups gnomAD compares: African/African-American, 0.0053%; no homozygotes.

Submission:

Labcorp Genetics (formerly Invitae), Labcorp
Classification: Uncertain significance. Last evaluated: 2022-09-27. Review status: criteria provided, single submitter. Criteria: Invitae Variant Classification Sherloc (09022015). Collection method: clinical testing. Allele origin: germline.
Comment: This sequence change replaces glycine, which is neutral and non-polar, with arginine, which is basic and polar, at codon 285 of the CSF2RB protein (p.Gly285Arg). This variant is present in population databases (rs749965216, gnomAD 0.007%). This variant has not been reported in the literature in individuals affected with CSF2RB-related conditions. Algorithms developed to predict the effect of missense changes on protein structure and function output the following: SIFT: "Tolerated"; PolyPhen-2: "Benign"; Align-GVGD: "Class C0". The arginine amino acid residue is found in multiple mammalian species, which suggests that this missense change does not adversely affect protein function. In summary, the available evidence is currently insufficient to determine the role of this variant in disease. Therefore, it has been classified as a Variant of Uncertain Significance.